The following is an entry in ClinVar:

ClinVar aggregate classification (germline): Uncertain significance (1 of 4 stars; one submission).

Conditions:
Neuromuscular disease. Also called: Neuromuscular disorder; Neuromyopathy. Identifiers: Orphanet 68381, MedGen C0027868, MeSH D009468, MONDO:0019056.

Submission:

Broad Center for Mendelian Genomics, Broad Institute of MIT and Harvard
Classification: Uncertain significance for Neuromuscular disease. Last evaluated: 2024-11-25. Review status: criteria provided, single submitter. Criteria: ACMG Guidelines, 2015. Collection method: curation. Allele origin: germline. Inheritance: Autosomal recessive inheritance. Study: GREGoR Consortium.
Comment: While this gene is still lacking sufficient evidence to establish a gene-disease relationship, we believe this is a possible novel gene candidate for a recessive brain or muscle disorder. Given the limited information about this gene-disease relationship, the significance of the p.Gln349Ter variant is uncertain. If you have any additional information about functional evidence or other individuals with this phenotype that also have variants in ABCA7 we encourage you to reach out to us.

NM_019112.4(ABCA7):c.1045C>T (p.Gln349Ter)

Gene: ABCA7 (ATP binding cassette subfamily A member 7; plus strand). Cytogenetic location: 19p13.3.
Variant type: single nucleotide variant.
Coding change: c.1045C>T on transcript NM_019112.4 (MANE Select); coding-DNA position 1045, C replaced by T.
Protein change: p.Gln349Ter; replaces glutamine 349 with a stop codon.
Molecular consequence: nonsense.
Genome position (GRCh38, 1-based): chr19:1,043,839, C>T. VCF-style: chr19-1043839-C-T. GRCh37 (hg19) VCF-style: chr19-1043838-C-T.
Other names: NM_019112.4:c.1045C>T; short protein forms Q349*.
Identifiers: ClinVar variation 3383303 (VCV003383303.1).
Genomic context (GRCh38, chr19:1,043,839, plus strand): 5'-GAGATGCTGGGACCCCGGATCTTCACCTTCATGAACGACAGTTCCAATGTGGCCATGCTG[C>T]AGGTGTGCGGGGGTGCTGGGGAGGTGGGATGTGGCTCCCCGGTGAGGAGGGTAGACAGGC-3'